The following is an entry in ClinVar:

ClinVar aggregate classification (germline): Pathogenic/Likely pathogenic. Review status: criteria provided, multiple submitters, no conflicts (2 of 4 stars). 7 submissions from 7 submitters: Pathogenic (5); Likely pathogenic (2). Last evaluated 2025-12-13.

Conditions:
FARS2-related disorder. Also called: FARS2-related disorders; FARS2-related condition.
Combined oxidative phosphorylation defect type 14. Also called: Combined oxidative phosphorylation deficiency 14. Identifiers: Orphanet 319519, MedGen C4755312, MONDO:0013986, OMIM 614946.
Autosomal dominant Alport syndrome (ATS3A). Also called: Alport syndrome dominant type; Renal failure and sensorineural hearing loss; ALPORT SYNDROME 3A, AUTOSOMAL DOMINANT. Identifiers: Orphanet 63, Orphanet 88918, MedGen C5882663, MONDO:0007086, OMIM 104200.

Allele frequency attached by ClinVar (database versions not stated): ExAC 0.00001; gnomAD exomes 0.00002 and 0.00003; gnomAD 0.00005; TOPMed 0.00007; ESP Exome Variant Server 0.00008.

Submissions (7):

Labcorp Genetics (formerly Invitae), Labcorp
Classification: Pathogenic for Combined oxidative phosphorylation defect type 14. Last evaluated: 2025-12-13. Review status: criteria provided, single submitter. Criteria: Invitae Variant Classification Sherloc (09022015). Collection method: clinical testing. Allele origin: germline.
Comment: This sequence change creates a premature translational stop signal (p.Arg307*) in the FARS2 gene. It is expected to result in an absent or disrupted protein product. Loss-of-function variants in FARS2 are known to be pathogenic (PMID: 22833457). This variant is present in population databases (rs148620369, gnomAD 0.01%). This variant has not been reported in the literature in individuals affected with FARS2-related conditions. ClinVar contains an entry for this variant (Variation ID: 473317). For these reasons, this variant has been classified as Pathogenic.

Genomic Medicine Center of Excellence, King Faisal Specialist Hospital and Research Centre
Classification: Pathogenic for Autosomal dominant Alport syndrome. Last evaluated: 2025-09-10. Review status: criteria provided, single submitter. Criteria: ACMG Guidelines, 2015. Collection method: clinical testing. Allele origin: germline.

Laboratory of Genetics, Children's Clinical University Hospital Latvia
Classification: Pathogenic. Last evaluated: 2025-02-16. Review status: criteria provided, single submitter. Criteria: ACMG Guidelines, 2015. Collection method: clinical testing. Allele origin: germline. Affected: yes.

GeneDx
Classification: Pathogenic. Last evaluated: 2024-11-21. Review status: criteria provided, single submitter. Criteria: GeneDx Variant Classification Process June 2021. Collection method: clinical testing. Allele origin: germline. Affected: yes.
Comment: Nonsense variant predicted to result in protein truncation or nonsense mediated decay in a gene for which loss-of-function is a known mechanism of disease; Not observed at significant frequency in large population cohorts (gnomAD); Has not been previously published as pathogenic or benign to our knowledge

ARUP Laboratories, Molecular Genetics and Genomics, ARUP Laboratories
Classification: Likely pathogenic. Last evaluated: 2024-05-14. Review status: criteria provided, single submitter. Criteria: ARUP Molecular Germline Variant Investigation Process 2024. Collection method: clinical testing. Allele origin: germline.
Comment: The FARS2 c.919C>T; p.Arg307Ter variant (rs148620369), to our knowledge, is not reported in the medical literature but is reported in ClinVar (Variation ID: 473317). This variant is only observed on six alleles in the Genome Aggregation Database (v2.1.1), indicating it is not a common polymorphism. This variant induces an early termination codon and is predicted to result in a truncated protein or mRNA subject to nonsense-mediated decay. Based on available information, this variant is considered to be likely pathogenic.

Blueprint Genetics
Classification: Likely pathogenic for FARS2-related disorders. Last evaluated: 2024-05-10. Review status: criteria provided, single submitter. Criteria: ACMG Guidelines, 2015. Collection method: clinical testing. Allele origin: germline. Affected: yes. Observed: 4 variant alleles.

Women's Health and Genetics/Laboratory Corporation of America, LabCorp
Classification: Pathogenic for FARS2-Related Disorders. Last evaluated: 2024-03-13. Review status: criteria provided, single submitter. Criteria: LabCorp Variant Classification Summary - May 2015. Collection method: clinical testing. Allele origin: germline.
Comment: Variant summary: FARS2 c.919C>T (p.Arg307X) results in a premature termination codon, predicted to cause a truncation of the encoded protein or absence of the protein due to nonsense mediated decay, which are commonly known mechanisms for disease. The variant allele was found at a frequency of 1.6e-05 in 250884 control chromosomes. To our knowledge, no occurrence of c.919C>T in individuals affected with FARS2-Related Disorders and no experimental evidence demonstrating its impact on protein function have been reported. ClinVar contains an entry for this variant (Variation ID: 473317). Based on the evidence outlined above, the variant was classified as pathogenic.

Literature cited by the submitters: PubMed 22833457 (cited by Labcorp Genetics (formerly Invitae), Labcorp).

NM_006567.5(FARS2):c.919C>T (p.Arg307Ter)

Gene: FARS2 (phenylalanyl-tRNA synthetase 2, mitochondrial; plus strand). Cytogenetic location: 6p25.1.
Variant type: single nucleotide variant.
Coding change: c.919C>T on transcript NM_006567.5 (MANE Select); coding-DNA position 919, C replaced by T.
Protein change: p.Arg307Ter; replaces arginine 307 with a stop codon.
Molecular consequence: nonsense.
Genome position (GRCh38, 1-based): chr6:5,545,194, C>T. VCF-style: chr6-5545194-C-T. GRCh37 (hg19) VCF-style: chr6-5545427-C-T.
Other names: c.919C>T, p.Arg307Ter (NM_001318872.2, NM_001374875.1, NM_001374876.1 and 4 more transcripts); c.787C>T, p.Arg263Ter (NM_001375258.1); c.223C>T, p.Arg75Ter (NM_001375259.1, NM_001375260.1); short protein forms R307*, R263*, R75*.
Identifiers: ClinVar variation 473317 (VCV000473317.17), dbSNP rs148620369, ClinGen allele CA3623835.